The following is an entry in ClinVar:

ClinVar aggregate classification (germline): Pathogenic (1 of 4 stars; one submission).

Conditions:
Hereditary cancer-predisposing syndrome. Also called: Tumor predisposition; Hereditary Cancer Syndrome; Hereditary neoplastic syndrome; Neoplastic Syndromes, Hereditary. Identifiers: Orphanet 140162, MedGen C0027672, MeSH D009386, MONDO:0015356.

Submission:

Ambry Genetics
Classification: Pathogenic for Hereditary cancer-predisposing syndrome. Last evaluated: 2024-02-01. Review status: criteria provided, single submitter. Criteria: Ambry Variant Classification Scheme 2023. Collection method: clinical testing. Allele origin: germline.
Comment: The c.5932delG pathogenic mutation, located in coding exon 39 of the ATM gene, results from a deletion of one nucleotide at nucleotide position 5932, causing a translational frameshift with a predicted alternate stop codon (p.E1978Kfs*12). This variant is considered to be rare based on population cohorts in the Genome Aggregation Database (gnomAD). This alteration is expected to result in loss of function by premature protein truncation or nonsense-mediated mRNA decay. As such, this alteration is interpreted as a disease-causing mutation.

NM_000051.4(ATM):c.5932del (p.Glu1978fs)

Genes: ATM (ATM serine/threonine kinase; plus strand), C11orf65 (chromosome 11 open reading frame 65; minus strand). Cytogenetic location: 11q22.3.
Variant type: Deletion.
Coding change: c.5932del on transcript NM_000051.4 (MANE Select); coding-DNA position 5932, one base deleted (G; older notation c.5932delG).
Protein change: p.Glu1978fs; shifts the reading frame from glutamic acid 1978.
Molecular consequence: frameshift variant. On other transcripts: intron variant (2).
Genome position (GRCh38, 1-based): chr11:108,312,424, G deleted. VCF-style (leftmost placement, unchanged base first): chr11-108312423-TG-T. GRCh37 (hg19) VCF-style: chr11-108183150-TG-T.
Other names: c.5932del, p.Glu1978fs (NM_001351834.2); c.641-3353del (NM_001330368.2); c.*39-3353del (NM_001351110.2); short protein forms E1978fs.
Identifiers: ClinVar variation 3222045 (VCV003222045.1), dbSNP rs2547052413, ClinGen allele CA2825001923.
Genomic context (GRCh38, chr11:108,312,423, plus strand): 5'-TTCCAAATAGTATGTTCTCATTAAAAGAGGTGTTCTTGTGACAAACAGAAGTCTTGCATT[TG>T]AAGAAGGAAGCCAGAGTACAACTATTTCTAGCTTGAGTGAAAAAAGTAAAGAAGAAACTG-3'